The following is an entry in ClinVar:

ClinVar aggregate classification (germline): Uncertain significance (1 of 4 stars; one submission).

Conditions:
Bloom syndrome (BLM). Also called: Bloom-Torre-Machacek syndrome. Identifiers: Orphanet 125, MedGen C0005859, MONDO:0008876, OMIM 210900.

gnomAD v4.1: 1 of 1,613,952 alleles (0.000062%); highest among the groups gnomAD compares: Non-Finnish European, 0.000085%; no homozygotes.

Submission:

Labcorp Genetics (formerly Invitae), Labcorp
Classification: Uncertain significance for Bloom syndrome. Last evaluated: 2025-12-08. Review status: criteria provided, single submitter. Criteria: Invitae Variant Classification Sherloc (09022015). Collection method: clinical testing. Allele origin: germline.
Comment: This sequence change replaces aspartic acid, which is acidic and polar, with valine, which is neutral and non-polar, at codon 329 of the BLM protein (p.Asp329Val). This variant is not present in population databases (gnomAD no frequency). This variant has not been reported in the literature in individuals affected with BLM-related conditions. Invitae Evidence Modeling of protein sequence and biophysical properties (such as structural, functional, and spatial information, amino acid conservation, physicochemical variation, residue mobility, and thermodynamic stability) indicates that this missense variant is not expected to disrupt BLM protein function with a negative predictive value of 80%. In summary, the available evidence is currently insufficient to determine the role of this variant in disease. Therefore, it has been classified as a Variant of Uncertain Significance.

NM_000057.4(BLM):c.986A>T (p.Asp329Val)

Gene: BLM (BLM RecQ like helicase; plus strand). Cytogenetic location: 15q26.1.
Variant type: single nucleotide variant.
Coding change: c.986A>T on transcript NM_000057.4 (MANE Select); coding-DNA position 986, A replaced by T.
Protein change: p.Asp329Val; replaces aspartic acid 329 with valine.
Molecular consequence: missense variant. On other transcripts: 5 prime UTR variant (1).
Genome position (GRCh38, 1-based): chr15:90,754,837, A>T. VCF-style: chr15-90754837-A-T. GRCh37 (hg19) VCF-style: chr15-91298067-A-T.
Other names: c.986A>T, p.Asp329Val (NM_001287246.2, NM_001287247.2); c.-306A>T (NM_001287248.2); short protein forms D329V.
Identifiers: ClinVar variation 4809761 (VCV004809761.1).
Genomic context (GRCh38, chr15:90,754,837, plus strand): 5'-AGTATGATTGGCTTAACATTTTTTTTATTTGCAGTACGTTAAAGGACCTTGACACCTCTG[A>T]CAGAAAAGAGGATGTTCTTAGCACATCAAAAGATCTTTTGTCAAAACCTGAGAAAATGAG-3'
Protein context (NP_000048.1, residues 319-339): LSTLKDLDTS[Asp329Val]RKEDVLSTSK